The following is an entry in ClinVar:

ClinVar aggregate classification (germline): Benign/Likely benign. Review status: criteria provided, multiple submitters, no conflicts (2 of 4 stars). 6 submissions from 6 submitters: Benign (1); Likely benign (5). Last evaluated 2026-09-03.

Conditions:
CTNNA1-related disorder. Also called: CTNNA1-related condition.
Hereditary cancer-predisposing syndrome. Also called: Tumor predisposition; Hereditary neoplastic syndrome; Hereditary Cancer Syndrome; Neoplastic Syndromes, Hereditary. Identifiers: Orphanet 140162, MedGen C0027672, MeSH D009386, MONDO:0015356.
Hereditary diffuse gastric adenocarcinoma (HDGC). Also called: DIFFUSE GASTRIC AND LOBULAR BREAST CANCER SYNDROME. Identifiers: Orphanet 26106, MedGen C1708349, MONDO:0007648, OMIM 137215.

Allele frequency attached by ClinVar (database versions not stated): ExAC 0.00003; TOPMed 0.00003; gnomAD 0.00004; gnomAD exomes 0.00004.
gnomAD v4.1: 50 of 1,613,836 alleles (0.0031%); highest among the groups gnomAD compares: Non-Finnish European, 0.004%; no homozygotes.

Submissions (6):

PreventionGenetics, part of Exact Sciences
Classification: Likely benign for CTNNA1-related condition. Last evaluated: 2026-09-03. Review status: criteria provided, single submitter. Criteria: ACMG Guidelines, 2015. Collection method: clinical testing. Allele origin: germline.
Comment: This variant is classified as likely benign based on ACMG/AMP sequence variant interpretation guidelines (Richards et al. 2015 PMID: 25741868, with internal and published modifications).

Labcorp Genetics (formerly Invitae), Labcorp
Classification: Likely benign. Last evaluated: 2026-01-25. Review status: criteria provided, single submitter. Criteria: Invitae Variant Classification Sherloc (09022015). Collection method: clinical testing. Allele origin: germline.

Blueprint Genetics
Classification: Likely benign. Last evaluated: 2024-10-18. Review status: criteria provided, single submitter. Criteria: ACMG Guidelines, 2015. Collection method: clinical testing. Allele origin: germline.

Myriad Genetics, Inc.
Classification: Benign for Hereditary diffuse gastric adenocarcinoma. Last evaluated: 2024-10-15. Review status: criteria provided, single submitter. Criteria: Myriad Autosomal Dominant, Autosomal Recessive and X-Linked Classification Criteria (2023). Collection method: clinical testing. Allele origin: unknown.
Comment: This variant is considered benign. This variant is a silent/synonymous amino acid change and it is not expected to impact splicing.

Genetic Services Laboratory, University of Chicago
Classification: Likely benign. Last evaluated: 2021-05-18. Review status: criteria provided, single submitter. Criteria: ACMG Guidelines, 2015. Collection method: clinical testing. Allele origin: germline. Affected: no.

Ambry Genetics
Classification: Likely benign for Hereditary cancer-predisposing syndrome. Last evaluated: 2019-09-22. Review status: criteria provided, single submitter. Criteria: Ambry Variant Classification Scheme 2023. Collection method: clinical testing. Allele origin: germline.

NM_001903.5(CTNNA1):c.2238C>G (p.Ala746=)

Gene: CTNNA1 (catenin alpha 1; plus strand). Cytogenetic location: 5q31.2.
Variant type: single nucleotide variant.
Coding change: c.2238C>G on transcript NM_001903.5 (MANE Select); coding-DNA position 2238, C replaced by G.
Protein change: p.Ala746=; no amino-acid change (alanine 746 retained).
Molecular consequence: synonymous variant.
Genome position (GRCh38, 1-based): chr5:138,930,875, C>G. VCF-style: chr5-138930875-C-G. GRCh37 (hg19) VCF-style: chr5-138266564-C-G.
Other names: c.2238C>G, p.Ala746= (NM_001290307.3, NM_001323982.2, NM_001323983.1 and 2 more transcripts); c.1929C>G, p.Ala643= (NM_001290309.3); c.1869C>G, p.Ala623= (NM_001290310.3); c.1128C>G, p.Ala376= (NM_001290312.1, NM_001323987.1, NM_001323988.1 and 17 more transcripts); c.2145C>G, p.Ala715= (NM_001323986.2); c.789C>G, p.Ala263= (NM_001324006.1, NM_001324007.1, NM_001324008.1 and 2 more transcripts); c.1035C>G, p.Ala345= (NM_001324011.1); c.885C>G, p.Ala295= (NM_001324012.1, NM_001324013.1); and 1 more.
Identifiers: ClinVar variation 696723 (VCV000696723.21), dbSNP rs199723374, ClinGen allele CA3432143.